The following is an entry in ClinVar:

ClinVar aggregate classification (germline): Uncertain significance. Review status: criteria provided, multiple submitters, no conflicts (2 of 4 stars). 2 submissions from 2 submitters: Uncertain significance (2). Last evaluated 2024-11-10.

Conditions:
Hereditary cancer-predisposing syndrome. Also called: Neoplastic Syndromes, Hereditary; Hereditary Cancer Syndrome; Hereditary neoplastic syndrome; Tumor predisposition. Identifiers: Orphanet 140162, MedGen C0027672, MeSH D009386, MONDO:0015356.

Submissions (2):

Ambry Genetics
Classification: Uncertain significance for Hereditary cancer-predisposing syndrome. Last evaluated: 2024-11-10. Review status: criteria provided, single submitter. Criteria: Ambry Variant Classification Scheme 2023. Collection method: clinical testing. Allele origin: germline.
Comment: The p.K888N variant (also known as c.2664G>C), located in coding exon 17 of the CTNNA1 gene, results from a G to C substitution at nucleotide position 2664. The lysine at codon 888 is replaced by asparagine, an amino acid with similar properties. This amino acid position is conserved. In addition, this alteration is predicted to be tolerated by in silico analysis. Based on the available evidence, the clinical significance of this variant remains unclear.

Labcorp Genetics (formerly Invitae), Labcorp
Classification: Uncertain significance. Last evaluated: 2020-03-05. Review status: criteria provided, single submitter. Criteria: Invitae Variant Classification Sherloc (09022015). Collection method: clinical testing. Allele origin: germline.
Comment: In summary, the available evidence is currently insufficient to determine the role of this variant in disease. Therefore, it has been classified as a Variant of Uncertain Significance. Algorithms developed to predict the effect of missense changes on protein structure and function are either unavailable or do not agree on the potential impact of this missense change (SIFT: "Deleterious"; PolyPhen-2: "Benign"; Align-GVGD: "Class C0"). This variant has not been reported in the literature in individuals with CTNNA1-related conditions. This variant is not present in population databases (ExAC no frequency). This sequence change replaces lysine with asparagine at codon 888 of the CTNNA1 protein (p.Lys888Asn). The lysine residue is highly conserved and there is a moderate physicochemical difference between lysine and asparagine.

NM_001903.5(CTNNA1):c.2664G>C (p.Lys888Asn)

Gene: CTNNA1 (catenin alpha 1; plus strand). Cytogenetic location: 5q31.2.
Variant type: single nucleotide variant.
Coding change: c.2664G>C on transcript NM_001903.5 (MANE Select); coding-DNA position 2664, G replaced by C.
Protein change: p.Lys888Asn; replaces lysine 888 with asparagine.
Molecular consequence: missense variant. On other transcripts: 3 prime UTR variant (5).
Genome position (GRCh38, 1-based): chr5:138,934,032, G>C. VCF-style: chr5-138934032-G-C. GRCh37 (hg19) VCF-style: chr5-138269721-G-C.
Other names: c.*209G>C (NM_001290307.3, NM_001324002.1, NM_001324003.1 and 2 more transcripts); c.2355G>C, p.Lys785Asn (NM_001290309.3); c.2295G>C, p.Lys765Asn (NM_001290310.3); c.1554G>C, p.Lys518Asn (NM_001290312.1, NM_001323987.1, NM_001323988.1 and 12 more transcripts); c.2664G>C, p.Lys888Asn (NM_001323982.2, NM_001323983.1, NM_001323984.2); c.2637G>C, p.Lys879Asn (NM_001323985.2); c.2571G>C, p.Lys857Asn (NM_001323986.2); c.1419G>C, p.Lys473Asn (NM_001324001.1); and 4 more; short protein forms K405N, K437N, K473N, K487N, K518N, K765N, K785N, K857N.
Identifiers: ClinVar variation 1058152 (VCV001058152.10), dbSNP rs1461406662, ClinGen allele CA361135722.